The following is an entry in ClinVar:

NM_020987.5(ANK3):c.9646A>G (p.Thr3216Ala)

Gene: ANK3 (ankyrin 3; minus strand). Cytogenetic location: 10q21.2.
Variant type: single nucleotide variant.
Coding change: c.9646A>G on transcript NM_020987.5 (MANE Select); coding-DNA position 9646, A replaced by G.
Protein change: p.Thr3216Ala; replaces threonine 3216 with alanine.
Molecular consequence: missense variant. On other transcripts: intron variant (4).
Genome position (GRCh38, 1-based): chr10:60,071,235, T>C on the plus strand (A>G on the coding strand, the complement: ANK3 is on the minus strand). VCF-style: chr10-60071235-T-C. GRCh37 (hg19) VCF-style: chr10-61830993-T-C.
Other names: c.4388-3226A>G (NM_001204403.2); c.4409-3226A>G (NM_001204404.2); c.4406-3226A>G (NM_001320874.2); c.1808-3226A>G (NM_001149.4); c.9646A>G (NM_020987.3); short protein forms T3216A.
Identifiers: ClinVar variation 2075499 (VCV002075499.4), dbSNP rs753530916, ClinGen allele CA5511355.
Genomic context (GRCh38, chr10:60,071,235, plus strand): 5'-CGTCATTAGGCATTTCACGCTCAACTGCTGTTTCCTCCACTGTAGTCTGCTTAAGGGAGG[T>C]TGACTTGGCCTGTTCCTCCTCCTCTGACTCCTCAGAAACCTCGGGAATTGGGCTGGGTTT-3'
Protein context (NP_066267.2, residues 3206-3226): ESEEEEQAKS[Thr3216Ala]SLKQTTVEET

ClinVar aggregate classification (germline): Conflicting classifications of pathogenicity. Review status: criteria provided, conflicting classifications (1 of 4 stars). 2 submissions from 2 submitters: Uncertain significance (1); Likely benign (1). Last evaluated 2025-09-24.

Conditions:
Inborn genetic diseases. Identifiers: MedGen C0950123, MeSH D030342.

Allele frequency attached by ClinVar (database versions not stated): gnomAD exomes 0.00001; ExAC 0.00005; TOPMed 0.00006; gnomAD 0.00007.
gnomAD v4.1: 27 of 1,613,924 alleles (0.0017%); highest among the groups gnomAD compares: African/African-American, 0.021%; no homozygotes.

Submissions (2):

Labcorp Genetics (formerly Invitae), Labcorp
Classification: Uncertain significance. Last evaluated: 2025-09-24. Review status: criteria provided, single submitter. Criteria: Invitae Variant Classification Sherloc (09022015). Collection method: clinical testing. Allele origin: germline.
Comment: This sequence change replaces threonine, which is neutral and polar, with alanine, which is neutral and non-polar, at codon 3216 of the ANK3 protein (p.Thr3216Ala). This variant is present in population databases (rs753530916, gnomAD 0.03%). This variant has not been reported in the literature in individuals affected with ANK3-related conditions. ClinVar contains an entry for this variant (Variation ID: 2075499). Invitae Evidence Modeling of protein sequence and biophysical properties (such as structural, functional, and spatial information, amino acid conservation, physicochemical variation, residue mobility, and thermodynamic stability) indicates that this missense variant is not expected to disrupt ANK3 protein function with a negative predictive value of 80%. In summary, the available evidence is currently insufficient to determine the role of this variant in disease. Therefore, it has been classified as a Variant of Uncertain Significance.

Ambry Genetics
Classification: Likely benign for Inborn genetic diseases. Last evaluated: 2025-05-29. Review status: criteria provided, single submitter. Criteria: Ambry Variant Classification Scheme 2023. Collection method: clinical testing. Allele origin: germline.